The following is an entry in ClinVar:

ClinVar aggregate classification (germline): Pathogenic. Review status: criteria provided, multiple submitters, no conflicts (2 of 4 stars). 2 submissions from 2 submitters: Pathogenic (2). Last evaluated 2026-08-18.

Conditions:
KBG syndrome (KBGS). Also called: ANKRD11-Related KBG Syndrome. Identifiers: Orphanet 2332, MedGen C0220687, MONDO:0007846, OMIM 148050.

Submissions (2):

Medical Genetics Center, Maternal and Child Health Hospital of Hubei Province
Classification: Pathogenic for KBG syndrome. Last evaluated: 2026-08-18. Review status: criteria provided, single submitter. Criteria: ACMG Guidelines, 2015. Collection method: clinical testing. Allele origin: de novo. Affected: yes.
Comment: PVS1+PS2_Supporting+PM2_Supporting

GeneDx
Classification: Pathogenic. Last evaluated: 2024-05-24. Review status: criteria provided, single submitter. Criteria: GeneDx Variant Classification Process June 2021. Collection method: clinical testing. Allele origin: germline. Affected: yes.
Comment: Not observed at significant frequency in large population cohorts (gnomAD); Nonsense variant predicted to result in protein truncation or nonsense mediated decay in a gene for which loss of function is a known mechanism of disease; This variant is associated with the following publications: (PMID: 34704418)

NM_013275.6(ANKRD11):c.5866C>T (p.Gln1956Ter)

Gene: ANKRD11 (ankyrin repeat domain 11; minus strand). Cytogenetic location: 16q24.3.
Variant type: single nucleotide variant.
Coding change: c.5866C>T on transcript NM_013275.6 (MANE Select); coding-DNA position 5866, C replaced by T.
Protein change: p.Gln1956Ter; replaces glutamine 1956 with a stop codon.
Molecular consequence: nonsense.
Genome position (GRCh38, 1-based): chr16:89,280,676, G>A on the plus strand (C>T on the coding strand, the complement: ANKRD11 is on the minus strand). VCF-style: chr16-89280676-G-A. GRCh37 (hg19) VCF-style: chr16-89347084-G-A.
Other names: c.5866C>T, p.Gln1956Ter (NM_001256182.2, NM_001256183.2); short protein forms Q1956*.
Identifiers: ClinVar variation 3381430 (VCV003381430.2).
Genomic context (GRCh38, chr16:89,280,676, plus strand): 5'-CCACAGGCCAGCTCACAGGGTTTTCAGAGGTGCCCCCGATCAGGCTAGAGGCAAGCGCCT[G>A]CTCGGAGGGGTGGGCCCACTCAACGGGCTCCTCGGTGATGACGGCGCTGAAGGGACCCTC-3'